The following is an entry in ClinVar:

ClinVar aggregate classification (germline): Likely benign. Review status: criteria provided, multiple submitters, no conflicts (2 of 4 stars). 2 submissions from 2 submitters: Likely benign (2). Last evaluated 2024-12-21.

Conditions:
HAAO-related disorder. Also called: HAAO-related condition.

gnomAD v4.1: 804 of 1,577,264 alleles (0.051%); highest among the groups gnomAD compares: South Asian, 0.34%; 5 homozygotes.

Submissions (2):

PreventionGenetics, part of Exact Sciences
Classification: Likely benign for HAAO-related condition. Last evaluated: 2024-12-21. Review status: criteria provided, single submitter. Criteria: ACMG Guidelines, 2015. Collection method: clinical testing. Allele origin: germline.
Comment: This variant is classified as likely benign based on ACMG/AMP sequence variant interpretation guidelines (Richards et al. 2015 PMID: 25741868, with internal and published modifications).

Blueprint Genetics
Classification: Likely benign. Last evaluated: 2024-11-08. Review status: criteria provided, single submitter. Criteria: ACMG Guidelines, 2015. Collection method: clinical testing. Allele origin: germline.

NM_012205.3(HAAO):c.782C>T (p.Ser261Leu)

Gene: HAAO (3-hydroxyanthranilate 3,4-dioxygenase; minus strand). Cytogenetic location: 2p21.
Variant type: single nucleotide variant.
Coding change: c.782C>T on transcript NM_012205.3 (MANE Select); coding-DNA position 782, C replaced by T.
Protein change: p.Ser261Leu; replaces serine 261 with leucine.
Molecular consequence: missense variant.
Genome position (GRCh38, 1-based): chr2:42,767,595, G>A on the plus strand (C>T on the coding strand, the complement: HAAO is on the minus strand). VCF-style: chr2-42767595-G-A. GRCh37 (hg19) VCF-style: chr2-42994735-G-A.
Other names: c.782C>T (NM_012205.2); short protein forms S261L.
Identifiers: ClinVar variation 4954745 (VCV004954745.2).